The following is an entry in ClinVar:

ClinVar aggregate classification (germline): Pathogenic/Likely pathogenic. Review status: criteria provided, multiple submitters, no conflicts (2 of 4 stars). 4 submissions from 4 submitters: Pathogenic (3); Likely pathogenic (1). Last evaluated 2026-04-22.

Conditions:
Progressive myoclonic epilepsy type 7. Identifiers: Orphanet 435438, MedGen C4015420, MONDO:0014521, OMIM 616187.
Seizure. Also called: Seizures. Identifiers: MedGen C0036572, HP:0001250.

Submissions (4):

GeneDx
Classification: Pathogenic. Last evaluated: 2026-04-22. Review status: criteria provided, single submitter. Criteria: GeneDx Variant Classification Process June 2021. Collection method: clinical testing. Allele origin: germline.
Comment: Published functional studies demonstrate a damaging effect: p.(T399M) significantly impacts Kv3.1 potassium channel function, demonstrating a dominant-negative effect (PMID: 31353862); Not observed at significant frequency in large population cohorts (gnomAD); In silico analysis supports that this missense variant has a deleterious effect on protein structure/function; This variant is associated with the following publications: (PMID: 31353862)

Labcorp Genetics (formerly Invitae), Labcorp
Classification: Pathogenic for Progressive myoclonic epilepsy type 7. Last evaluated: 2025-12-22. Review status: criteria provided, single submitter. Criteria: Invitae Variant Classification Sherloc (09022015). Collection method: clinical testing. Allele origin: germline.
Comment: This sequence change replaces threonine, which is neutral and polar, with methionine, which is neutral and non-polar, at codon 399 of the KCNC1 protein (p.Thr399Met). This variant is not present in population databases (gnomAD no frequency). This missense change has been observed in individual(s) with clinical features of KCNC1-related conditions (PMID: 31353862; internal data). In at least one individual the variant was observed to be de novo. ClinVar contains an entry for this variant (Variation ID: 1367356). Invitae Evidence Modeling of protein sequence and biophysical properties (such as structural, functional, and spatial information, amino acid conservation, physicochemical variation, residue mobility, and thermodynamic stability) indicates that this missense variant is expected to disrupt KCNC1 protein function with a positive predictive value of 80%. Experimental studies have shown that this missense change affects KCNC1 function (PMID: 31353862). For these reasons, this variant has been classified as Pathogenic.

Cytogénomique, Hospices Civils de Lyon
Classification: Pathogenic for Seizure. Last evaluated: 2025-02-07. Review status: criteria provided, single submitter. Criteria: ACMG Guidelines, 2015. Collection method: clinical testing. Allele origin: unknown. Affected: yes.

Institute of Human Genetics, University of Leipzig Medical Center
Classification: Likely pathogenic for Progressive myoclonic epilepsy type 7. Last evaluated: 2023-01-16. Review status: criteria provided, single submitter. Criteria: ACMG Guidelines, 2015. Collection method: clinical testing. Allele origin: unknown. Affected: yes.
Comment: _x000D_ Criteria applied: PS2_MOD, PS3_MOD, PS4_MOD, PM1, PM2_SUP, PP2, PP3

Literature cited by the submitters: PubMed 31353862 (cited by Labcorp Genetics (formerly Invitae), Labcorp).

NM_001112741.2(KCNC1):c.1196C>T (p.Thr399Met)

Gene: KCNC1 (potassium voltage-gated channel subfamily C member 1; plus strand). Cytogenetic location: 11p15.1.
Variant type: single nucleotide variant.
Coding change: c.1196C>T on transcript NM_001112741.2 (MANE Select); coding-DNA position 1196, C replaced by T.
Protein change: p.Thr399Met; replaces threonine 399 with methionine.
Molecular consequence: missense variant.
Genome position (GRCh38, 1-based): chr11:17,772,290, C>T. VCF-style: chr11-17772290-C-T. GRCh37 (hg19) VCF-style: chr11-17793837-C-T.
Other names: c.1196C>T (NM_001112741.1); c.1196C>T, p.Thr399Met (NM_004976.4); short protein forms T399M.
Identifiers: ClinVar variation 1367356 (VCV001367356.12), dbSNP rs2133805364, ClinGen allele CA379808596.